The following is an entry in ClinVar:

ClinVar aggregate classification (germline): Pathogenic (1 of 4 stars; one submission).

Conditions:
Neuronal ceroid lipofuscinosis. Also called: Neuronal Ceroid Lipofuscinoses. Identifiers: Orphanet 216, Orphanet 79263, MedGen C0027877, MONDO:0016295. Disease mechanism: loss of function.

Submission:

Labcorp Genetics (formerly Invitae), Labcorp
Classification: Pathogenic for Neuronal ceroid lipofuscinosis. Last evaluated: 2022-12-29. Review status: criteria provided, single submitter. Criteria: Invitae Variant Classification Sherloc (09022015). Collection method: clinical testing. Allele origin: germline.
Comment: For these reasons, this variant has been classified as Pathogenic. This variant has not been reported in the literature in individuals affected with CLN8-related conditions. This variant is not present in population databases (gnomAD no frequency). This sequence change creates a premature translational stop signal (p.Leu126*) in the CLN8 gene. It is expected to result in an absent or disrupted protein product. Loss-of-function variants in CLN8 are known to be pathogenic (PMID: 15024724).

Literature cited by the submitters: PubMed 15024724.

NM_018941.4(CLN8):c.377T>A (p.Leu126Ter)

Gene: CLN8 (CLN8 transmembrane ER and ERGIC protein; plus strand). Cytogenetic location: 8p23.3.
Variant type: single nucleotide variant.
Coding change: c.377T>A on transcript NM_018941.4 (MANE Select); coding-DNA position 377, T replaced by A.
Protein change: p.Leu126Ter; replaces leucine 126 with a stop codon.
Molecular consequence: nonsense.
Genome position (GRCh38, 1-based): chr8:1,771,431, T>A. VCF-style: chr8-1771431-T-A. GRCh37 (hg19) VCF-style: chr8-1719597-T-A.
Other names: short protein forms L126*.
Identifiers: ClinVar variation 2824675 (VCV002824675.3), dbSNP rs2486441460, ClinGen allele CA369953436.